The following is an entry in ClinVar:

ClinVar aggregate classification (germline): Uncertain significance (1 of 4 stars; one submission).

Allele frequency attached by ClinVar (database versions not stated): gnomAD 0.00001; TOPMed 0.00002; ESP Exome Variant Server 0.00008.
gnomAD v4.1: 11 of 1,613,602 alleles (0.00068%); highest among the groups gnomAD compares: Admixed American, 0.0017%; no homozygotes.

Submission:

Labcorp Genetics (formerly Invitae), Labcorp
Classification: Uncertain significance. Last evaluated: 2022-05-01. Review status: criteria provided, single submitter. Criteria: Invitae Variant Classification Sherloc (09022015). Collection method: clinical testing. Allele origin: germline.
Comment: In summary, the available evidence is currently insufficient to determine the role of this variant in disease. Therefore, it has been classified as a Variant of Uncertain Significance. Algorithms developed to predict the effect of missense changes on protein structure and function are either unavailable or do not agree on the potential impact of this missense change (SIFT: "Deleterious"; PolyPhen-2: "Probably Damaging"; Align-GVGD: "Class C0"). This variant has not been reported in the literature in individuals affected with NLRP1-related conditions. This variant is present in population databases (rs373301396, gnomAD 0.003%). This sequence change replaces leucine, which is neutral and non-polar, with proline, which is neutral and non-polar, at codon 889 of the NLRP1 protein (p.Leu889Pro).

NM_033004.4(NLRP1):c.2666T>C (p.Leu889Pro)

Gene: NLRP1 (NLR family pyrin domain containing 1; minus strand). Cytogenetic location: 17p13.2.
Variant type: single nucleotide variant.
Coding change: c.2666T>C on transcript NM_033004.4 (MANE Select); coding-DNA position 2666, T replaced by C.
Protein change: p.Leu889Pro; replaces leucine 889 with proline.
Molecular consequence: missense variant.
Genome position (GRCh38, 1-based): chr17:5,541,890, A>G on the plus strand (T>C on the coding strand, the complement: NLRP1 is on the minus strand). VCF-style: chr17-5541890-A-G. GRCh37 (hg19) VCF-style: chr17-5445210-A-G.
Other names: c.2666T>C, p.Leu889Pro (NM_001033053.3, NM_014922.5, NM_033006.4 and 1 more transcripts); short protein forms L889P.
Identifiers: ClinVar variation 1962574 (VCV001962574.5), dbSNP rs373301396, ClinGen allele CA287256323.